The following is an entry in ClinVar:

ClinVar aggregate classification (germline): Likely pathogenic (1 of 4 stars; one submission).

Conditions:
Spastic paraplegia 91, autosomal dominant, with or without cerebellar ataxia (SPG91). Identifiers: MedGen C5882701, MONDO:0957813, OMIM 620538.

Submission:

Institute of Human Genetics, University of Goettingen
Classification: Likely pathogenic for Spastic paraplegia 91, autosomal dominant, with or without cerebellar ataxia. Last evaluated: 2025-05-13. Review status: criteria provided, single submitter. Criteria: ACMG Guidelines, 2015. Collection method: clinical testing. Allele origin: germline. Inheritance: Autosomal dominant inheritance. Affected: yes.
Comment: The substitution is located in 'NM_001130438.3' exon 19. The variation shows a highly conserved nucleotide (phyloP: 9.42 [-19.0, 10.9]). This variant is in protein domain: Spectrin repeat and Spectrin/alpha-actinin. The variation generates a 'Nonsense' as coding effect. Codon GAG changed to TAG. The reading frame is interrupted by a premature STOP codon.

Literature cited by the submitters: PubMed 31332438.

NM_001130438.3(SPTAN1):c.2599G>T (p.Glu867Ter)

Gene: SPTAN1 (spectrin alpha, non-erythrocytic 1; plus strand). Cytogenetic location: 9q34.11.
Variant type: single nucleotide variant.
Coding change: c.2599G>T on transcript NM_001130438.3 (MANE Select); coding-DNA position 2599, G replaced by T.
Protein change: p.Glu867Ter; replaces glutamic acid 867 with a stop codon.
Molecular consequence: nonsense.
Genome position (GRCh38, 1-based): chr9:128,585,786, G>T. VCF-style: chr9-128585786-G-T. GRCh37 (hg19) VCF-style: chr9-131348065-G-T.
Other names: c.2599G>T, p.Glu867Ter (NM_001438443.1, NM_001438444.1, NM_001438445.1 and 10 more transcripts); c.2635G>T, p.Glu879Ter (NM_001375312.2, NM_001375318.1, NM_001438440.1); short protein forms E867*, E879*.
Identifiers: ClinVar variation 4813684 (VCV004813684.1).